The following is an entry in ClinVar:

NM_000111.3(SLC26A3):c.755C>T (p.Ser252Leu)

Gene: SLC26A3 (solute carrier family 26 member 3; minus strand). Cytogenetic location: 7q22.3.
Variant type: single nucleotide variant.
Coding change: c.755C>T on transcript NM_000111.3 (MANE Select); coding-DNA position 755, C replaced by T.
Protein change: p.Ser252Leu; replaces serine 252 with leucine.
Molecular consequence: missense variant.
Genome position (GRCh38, 1-based): chr7:107,787,490, G>A on the plus strand (C>T on the coding strand, the complement: SLC26A3 is on the minus strand). VCF-style: chr7-107787490-G-A. GRCh37 (hg19) VCF-style: chr7-107427935-G-A.
Other names: c.755C>T (NM_000111.2); short protein forms S252L.
Identifiers: ClinVar variation 1498554 (VCV001498554.7), dbSNP rs747674752, ClinGen allele CA4434029.
Genomic context (GRCh38, chr7:107,787,490, plus strand): 5'-ACAACCAAAAGGACAATCAGAGCTGTCACCAGGTCTGCAATATTAGTCTTCTCTATTTGT[G>A]AGAATACAGAGTATAGTACCTACAATTATAAAAACAAAAACCACCAAAGCCCTATATTAA-3'
Protein context (NP_000102.1, residues 242-262): SIFKVLYSVF[Ser252Leu]QIEKTNIADL

ClinVar aggregate classification (germline): Uncertain significance. Review status: criteria provided, multiple submitters, no conflicts (2 of 4 stars). 3 submissions from 3 submitters: Uncertain significance (3). Last evaluated 2025-08-26.

Conditions:
Inborn genetic diseases. Identifiers: MedGen C0950123, MeSH D030342.

Allele frequency attached by ClinVar (database versions not stated): gnomAD exomes 0.00004 and 0.00009; ExAC 0.00007.
gnomAD v4.1: 65 of 1,613,496 alleles (0.004%); highest among the groups gnomAD compares: South Asian, 0.057%; no homozygotes.

Submissions (3):

Ambry Genetics
Classification: Uncertain significance for Inborn genetic diseases. Last evaluated: 2025-08-26. Review status: criteria provided, single submitter. Criteria: Ambry Variant Classification Scheme 2023. Collection method: clinical testing. Allele origin: germline.

Blueprint Genetics
Classification: Uncertain significance. Last evaluated: 2024-11-18. Review status: criteria provided, single submitter. Criteria: ACMG Guidelines, 2015. Collection method: clinical testing. Allele origin: germline.

Labcorp Genetics (formerly Invitae), Labcorp
Classification: Uncertain significance. Last evaluated: 2022-08-09. Review status: criteria provided, single submitter. Criteria: Invitae Variant Classification Sherloc (09022015). Collection method: clinical testing. Allele origin: germline.
Comment: This sequence change replaces serine, which is neutral and polar, with leucine, which is neutral and non-polar, at codon 252 of the SLC26A3 protein (p.Ser252Leu). This variant is present in population databases (rs747674752, gnomAD 0.07%). This variant has not been reported in the literature in individuals affected with SLC26A3-related conditions. ClinVar contains an entry for this variant (Variation ID: 1498554). Algorithms developed to predict the effect of missense changes on protein structure and function (SIFT, PolyPhen-2, Align-GVGD) all suggest that this variant is likely to be tolerated. In summary, the available evidence is currently insufficient to determine the role of this variant in disease. Therefore, it has been classified as a Variant of Uncertain Significance.